The following is an entry in ClinVar:

NM_000368.5(TSC1):c.3433C>G (p.Pro1145Ala)

Gene: TSC1 (TSC complex subunit 1; minus strand). Cytogenetic location: 9q34.13.
Variant type: single nucleotide variant.
Coding change: c.3433C>G on transcript NM_000368.5 (MANE Select); coding-DNA position 3433, C replaced by G.
Protein change: p.Pro1145Ala; replaces proline 1145 with alanine.
Molecular consequence: missense variant.
Genome position (GRCh38, 1-based): chr9:132,896,297, G>C on the plus strand (C>G on the coding strand, the complement: TSC1 is on the minus strand). VCF-style: chr9-132896297-G-C. GRCh37 (hg19) VCF-style: chr9-135771684-G-C.
Other names: c.3430C>G, p.Pro1144Ala (NM_001162426.2); c.3280C>G, p.Pro1094Ala (NM_001162427.2); c.3070C>G, p.Pro1024Ala (NM_001362177.2); short protein forms P1024A, P1145A, P1094A, P1144A.
Identifiers: ClinVar variation 639310 (VCV000639310.16), dbSNP rs773541137, ClinGen allele CA037053.

ClinVar aggregate classification (germline): Conflicting classifications of pathogenicity. Review status: criteria provided, conflicting classifications (1 of 4 stars). 5 submissions from 5 submitters: Uncertain significance (2); Likely benign (3). Last evaluated 2025-09-03.

Conditions:
Hereditary cancer-predisposing syndrome. Also called: Hereditary Cancer Syndrome; Hereditary neoplastic syndrome; Tumor predisposition; Neoplastic Syndromes, Hereditary. Identifiers: Orphanet 140162, MedGen C0027672, MeSH D009386, MONDO:0015356.
Tuberous sclerosis 1 (TSC1). Identifiers: Orphanet 805, MedGen C1854465, MONDO:0008612, OMIM 191100.

Allele frequency attached by ClinVar (database versions not stated): gnomAD exomes below 0.00001 and 0.00001; ExAC 0.00001; TOPMed 0.00003; gnomAD 0.00001.
gnomAD v4.1: 8 of 1,614,060 alleles (0.0005%); highest among the groups gnomAD compares: African/African-American, 0.0093%; no homozygotes.

Submissions (5):

Labcorp Genetics (formerly Invitae), Labcorp
Classification: Likely benign for Tuberous sclerosis 1. Last evaluated: 2025-09-03. Review status: criteria provided, single submitter. Criteria: Invitae Variant Classification Sherloc (09022015). Collection method: clinical testing. Allele origin: germline.

Dasa
Classification: Uncertain significance. Last evaluated: 2025-06-25. Review status: criteria provided, single submitter. Criteria: DASA Assertion Criteria. Collection method: clinical testing. Allele origin: germline.
Comment: NM_000368.5(TSC1):c.3433C>G (p.Pro1145Ala) is a missense variant that results in the substitution of proline with alanine. This variant is rare in population databases. Computational prediction algorithms are consistent with a benign effect. The currently available literature and clinical evidence are not sufficient to establish a definitive association between this variant and the reported condition. Therefore, this variant is classified as a variant of uncertain significance.

Myriad Genetics, Inc.
Classification: Likely benign for Tuberous sclerosis 1. Last evaluated: 2024-08-16. Review status: criteria provided, single submitter. Criteria: Myriad Autosomal Dominant, Autosomal Recessive and X-Linked Classification Criteria (2023). Collection method: clinical testing. Allele origin: unknown.
Comment: This variant is considered likely benign. This variant has been observed at a population frequency that is significantly greater than expected given the associated disease prevalence and penetrance.

Ambry Genetics
Classification: Likely benign for Hereditary cancer-predisposing syndrome. Last evaluated: 2022-04-22. Review status: criteria provided, single submitter. Criteria: Ambry Variant Classification Scheme 2023. Collection method: clinical testing. Allele origin: germline.

Genome-Nilou Lab
Classification: Uncertain significance for Tuberous sclerosis 1. Last evaluated: 2021-11-07. Review status: criteria provided, single submitter. Criteria: ACMG Guidelines, 2015. Collection method: clinical testing. Allele origin: germline. Affected: no.